The following is an entry in ClinVar:

ClinVar aggregate classification (germline): Uncertain significance. Review status: criteria provided, multiple submitters, no conflicts (2 of 4 stars). 3 submissions from 3 submitters: Uncertain significance (3). Last evaluated 2022-05-18.

Conditions:
Autosomal dominant nonsyndromic hearing loss 11. Identifiers: Orphanet 90635, MedGen C1832475, MONDO:0011032, OMIM 601317.

Allele frequency attached by ClinVar (database versions not stated): gnomAD below 0.00001 and 0.00001; ExAC 0.00002; gnomAD exomes 0.00002; 1000 Genomes Project 30x 0.00016; 1000 Genomes Project 0.00020.
gnomAD v4.1: 29 of 1,599,734 alleles (0.0018%); highest among the groups gnomAD compares: South Asian, 0.032%; no homozygotes.

Submissions (3):

Labcorp Genetics (formerly Invitae), Labcorp
Classification: Uncertain significance. Last evaluated: 2022-05-18. Review status: criteria provided, single submitter. Criteria: Invitae Variant Classification Sherloc (09022015). Collection method: clinical testing. Allele origin: germline.
Comment: This sequence change replaces alanine, which is neutral and non-polar, with valine, which is neutral and non-polar, at codon 1438 of the MYO7A protein (p.Ala1438Val). The frequency data for this variant in the population databases is considered unreliable, as metrics indicate poor data quality at this position in the gnomAD database. This missense change has been observed in individual(s) with deafness (PMID: 32681043). ClinVar contains an entry for this variant (Variation ID: 638048). Advanced modeling of protein sequence and biophysical properties (such as structural, functional, and spatial information, amino acid conservation, physicochemical variation, residue mobility, and thermodynamic stability) performed at Invitae indicates that this missense variant is expected to disrupt MYO7A protein function. In summary, the available evidence is currently insufficient to determine the role of this variant in disease. Therefore, it has been classified as a Variant of Uncertain Significance.

Blueprint Genetics
Classification: Uncertain significance. Last evaluated: 2021-09-06. Review status: criteria provided, single submitter. Criteria: ACMG Guidelines, 2015. Collection method: clinical testing. Allele origin: germline.

Baylor-Hopkins Center for Mendelian Genomics, Johns Hopkins University School of Medicine
Classification: Uncertain significance for Autosomal dominant nonsyndromic hearing loss 11. Review status: criteria provided, single submitter. Criteria: ACMG Guidelines, 2015. Collection method: research. Allele origin: unknown. Affected: yes. Observed: 1 variant allele, 1 heterozygote.

Literature cited by the submitters: PubMed 32681043 (cited by Labcorp Genetics (formerly Invitae), Labcorp).

NM_000260.4(MYO7A):c.4313C>T (p.Ala1438Val)

Gene: MYO7A (myosin VIIA; plus strand). Cytogenetic location: 11q13.5.
Variant type: single nucleotide variant.
Coding change: c.4313C>T on transcript NM_000260.4 (MANE Select); coding-DNA position 4313, C replaced by T.
Protein change: p.Ala1438Val; replaces alanine 1438 with valine.
Molecular consequence: missense variant.
Genome position (GRCh38, 1-based): chr11:77,194,514, C>T. VCF-style: chr11-77194514-C-T. GRCh37 (hg19) VCF-style: chr11-76905559-C-T.
Other names: c.4313C>T, p.Ala1438Val (NM_001127180.2); c.4280C>T, p.Ala1427Val (NM_001369365.1); short protein forms A1438V, A1427V.
Identifiers: ClinVar variation 638048 (VCV000638048.6), dbSNP rs538178875, ClinGen allele CA6198403.